The following is an entry in ClinVar:

ClinVar aggregate classification (germline): Uncertain significance. Review status: criteria provided, multiple submitters, no conflicts (2 of 4 stars). 2 submissions from 2 submitters: Uncertain significance (2). Last evaluated 2025-09-07.

Conditions:
Inborn genetic diseases. Identifiers: MedGen C0950123, MeSH D030342.
Wilms tumor 1 (WT1). Also called: Wilms tumor, somatic. Identifiers: Orphanet 654, MedGen CN033288, MONDO:0008679, OMIM 194070.
11p partial monosomy syndrome (WAGR). Also called: CHROMOSOME 11p13 DELETION SYNDROME; WAGR syndrome; WAGR Complex; WAGR Spectrum Disorder. Identifiers: Orphanet 893, MedGen C0206115, MONDO:0008681, OMIM 194072.
Frasier syndrome. Identifiers: Orphanet 347, MedGen C0950122, MeSH D052159, MONDO:0007635, OMIM 136680.
Drash syndrome (DDS). Also called: NEPHROPATHY, WILMS TUMOR, AND GENITAL ANOMALIES; WILMS TUMOR AND PSEUDO- OR TRUE HERMAPHRODITISM. Identifiers: Orphanet 220, MedGen C0950121, MONDO:0008682, OMIM 194080.

gnomAD v4.1: 2 of 1,613,906 alleles (0.00012%); highest among the groups gnomAD compares: East Asian, 0.0022%; no homozygotes.

Submissions (2):

Labcorp Genetics (formerly Invitae), Labcorp
Classification: Uncertain significance for Wilms tumor 1; Drash syndrome; 11p partial monosomy syndrome; Frasier syndrome. Last evaluated: 2025-09-07. Review status: criteria provided, single submitter. Criteria: Invitae Variant Classification Sherloc (09022015). Collection method: clinical testing. Allele origin: germline.
Comment: This sequence change replaces arginine, which is basic and polar, with serine, which is neutral and polar, at codon 431 of the WT1 protein (p.Arg431Ser). This variant is not present in population databases (gnomAD no frequency). This variant has not been reported in the literature in individuals affected with WT1-related conditions. ClinVar contains an entry for this variant (Variation ID: 3982482). Invitae Evidence Modeling of protein sequence and biophysical properties (such as structural, functional, and spatial information, amino acid conservation, physicochemical variation, residue mobility, and thermodynamic stability) has been performed for this missense variant. However, the output from this modeling did not meet the statistical confidence thresholds required to predict the impact of this variant on WT1 protein function. In summary, the available evidence is currently insufficient to determine the role of this variant in disease. Therefore, it has been classified as a Variant of Uncertain Significance.

Ambry Genetics
Classification: Uncertain significance for Inborn genetic diseases. Last evaluated: 2025-06-02. Review status: criteria provided, single submitter. Criteria: Ambry Variant Classification Scheme 2023. Collection method: clinical testing. Allele origin: germline.
Comment: The p.R431S variant (also known as c.1293G>T), located in coding exon 8 of the WT1 gene, results from a G to T substitution at nucleotide position 1293. The arginine at codon 431 is replaced by serine, an amino acid with dissimilar properties. This amino acid position is conserved. In addition, the in silico prediction for this alteration is inconclusive. Based on the available evidence, the clinical significance of this variant remains unclear.

NM_024426.6(WT1):c.1308G>T (p.Arg436Ser)

Gene: WT1 (WT1 transcription factor; minus strand). Cytogenetic location: 11p13.
Variant type: single nucleotide variant.
Coding change: c.1308G>T on transcript NM_024426.6 (MANE Select); coding-DNA position 1308, G replaced by T.
Protein change: p.Arg436Ser; replaces arginine 436 with serine.
Molecular consequence: missense variant. On other transcripts: non-coding transcript variant (2), intron variant (1).
Genome position (GRCh38, 1-based): chr11:32,392,712, C>A on the plus strand (G>T on the coding strand, the complement: WT1 is on the minus strand). VCF-style: chr11-32392712-C-A. GRCh37 (hg19) VCF-style: chr11-32414258-C-A.
Other names: c.1308G>T, p.Arg436Ser (NM_024424.5, NM_001407046.1); c.1214-648G>T (NM_001407048.1); c.1257G>T, p.Arg419Ser (NM_000378.6, NM_001407045.1, NM_001407049.1); c.657G>T, p.Arg219Ser (NM_001198551.2); c.606G>T, p.Arg202Ser (NM_001198552.2); c.120G>T, p.Arg40Ser (NM_001367854.1); c.1302G>T, p.Arg434Ser (NM_001407044.1); c.1185G>T, p.Arg395Ser (NM_001407047.1); and 4 more; short protein forms R395S, R40S, R434S, R436S, R202S, R363S, R378S, R182S.
Identifiers: ClinVar variation 3982482 (VCV003982482.2).